The following is an entry in ClinVar:

NM_024642.5(GALNT12):c.20G>T (p.Arg7Leu)

Gene: GALNT12 (polypeptide N-acetylgalactosaminyltransferase 12; plus strand). Cytogenetic location: 9q22.33.
Variant type: single nucleotide variant.
Coding change: c.20G>T on transcript NM_024642.5 (MANE Select); coding-DNA position 20, G replaced by T.
Protein change: p.Arg7Leu; replaces arginine 7 with leucine.
Molecular consequence: missense variant.
Genome position (GRCh38, 1-based): chr9:98,807,718, G>T. VCF-style: chr9-98807718-G-T. GRCh37 (hg19) VCF-style: chr9-101570000-G-T.
Other names: short protein forms R7L.
Identifiers: ClinVar variation 241511 (VCV000241511.16), dbSNP rs568625965, ClinGen allele CA10582692.

ClinVar aggregate classification (germline): Conflicting classifications of pathogenicity. Review status: criteria provided, conflicting classifications (1 of 4 stars). 4 submissions from 4 submitters: Uncertain significance (1); Benign (1); Likely benign (1). 1 of the submissions does not count toward it. Last evaluated 2025-10-10.

Conditions:
GALNT12-related disorder. Also called: GALNT12-related condition.

Allele frequency attached by ClinVar (database versions not stated): TOPMed 0.00033; 1000 Genomes Project 0.00040; gnomAD 0.00040 and 0.00041; 1000 Genomes Project 30x 0.00125.
gnomAD v4.1: 107 of 1,176,796 alleles (0.0091%); highest among the groups gnomAD compares: African/African-American, 0.16%; no homozygotes.

Submissions (4):

Labcorp Genetics (formerly Invitae), Labcorp
Classification: Likely benign. Last evaluated: 2025-10-10. Review status: criteria provided, single submitter. Criteria: Invitae Variant Classification Sherloc (09022015). Collection method: clinical testing. Allele origin: germline.

Ambry Genetics
Classification: Uncertain significance. Last evaluated: 2024-10-09. Review status: criteria provided, single submitter. Criteria: Ambry Variant Classification Scheme 2023. Collection method: clinical testing. Allele origin: germline.

Quest Diagnostics Nichols Institute San Juan Capistrano
Classification: Benign. Last evaluated: 2023-09-18. Review status: criteria provided, single submitter. Criteria: Quest Diagnostics criteria. Collection method: clinical testing. Allele origin: unknown.

PreventionGenetics, part of Exact Sciences
Classification: Likely benign for GALNT12-related condition. Last evaluated: 2024-07-12. Review status: no assertion criteria provided. Collection method: clinical testing. Allele origin: germline. Not counted in ClinVar's aggregate classification.
Comment: This variant is classified as likely benign based on ACMG/AMP sequence variant interpretation guidelines (Richards et al. 2015 PMID: 25741868, with internal and published modifications).